The following is an entry in ClinVar:

ClinVar aggregate classification (germline): Conflicting classifications of pathogenicity. Review status: criteria provided, conflicting classifications (1 of 4 stars). 3 submissions from 3 submitters: Uncertain significance (1); Likely benign (1). 1 of the submissions does not count toward it. Last evaluated 2022-10-04.

Conditions:
Inborn genetic diseases. Identifiers: MedGen C0950123, MeSH D030342.
NBEA-related disorder. Also called: NBEA-related condition.
Neurodevelopmental disorder with or without early-onset generalized epilepsy. Identifiers: MedGen C5436914, MONDO:0030930, OMIM 619157.

Allele frequency attached by ClinVar (database versions not stated): ESP Exome Variant Server 0.00008; gnomAD 0.00008; ExAC 0.00012; TOPMed 0.00015; 1000 Genomes Project 0.00020; 1000 Genomes Project 30x 0.00031.
gnomAD v4.1: 182 of 1,593,770 alleles (0.011%); highest among the groups gnomAD compares: Middle Eastern, 0.083%; no homozygotes.

Submissions (3):

Ambry Genetics
Classification: Likely benign for Inborn genetic diseases. Last evaluated: 2022-10-04. Review status: criteria provided, single submitter. Criteria: Ambry Variant Classification Scheme 2023. Collection method: clinical testing. Allele origin: germline.

Revvity Omics, Revvity
Classification: Uncertain significance for Neurodevelopmental disorder with or without early-onset generalized epilepsy. Last evaluated: 2020-08-04. Review status: criteria provided, single submitter. Criteria: ACMG Guidelines, 2015. Collection method: clinical testing. Allele origin: germline.

PreventionGenetics, part of Exact Sciences
Classification: Likely benign for NBEA-related condition. Last evaluated: 2024-01-03. Review status: no assertion criteria provided. Collection method: clinical testing. Allele origin: germline. Not counted in ClinVar's aggregate classification.
Comment: This variant is classified as likely benign based on ACMG/AMP sequence variant interpretation guidelines (Richards et al. 2015 PMID: 25741868, with internal and published modifications).

NM_001385012.1(NBEA):c.3770C>T (p.Ala1257Val)

Gene: NBEA (neurobeachin; plus strand). Cytogenetic location: 13q13.3.
Variant type: single nucleotide variant.
Coding change: c.3770C>T on transcript NM_001385012.1 (MANE Select); coding-DNA position 3770, C replaced by T.
Protein change: p.Ala1257Val; replaces alanine 1257 with valine.
Molecular consequence: missense variant.
Genome position (GRCh38, 1-based): chr13:35,159,941, C>T. VCF-style: chr13-35159941-C-T. GRCh37 (hg19) VCF-style: chr13-35734078-C-T.
Other names: c.3770C>T, p.Ala1257Val (NM_001379245.1, NM_015678.5); short protein forms A1257V.
Identifiers: ClinVar variation 2370824 (VCV002370824.7), dbSNP rs201399155, ClinGen allele CA6946683.
Genomic context (GRCh38, chr13:35,159,941, plus strand): 5'-TGACTGCTACAACTCTGGAAACTGAGTCTTCTAGTAGCAAAATTGTACCAAATATTGATG[C>T]AGGAAGTATAATTTCAGATACTGAAAGGTCTGACGATGGCAAAGAATCAGGAAAAGAAAT-3'
Protein context (NP_001371941.1, residues 1247-1267): SSSKIVPNID[Ala1257Val]GSIISDTERS